The following is an entry in ClinVar:

NM_001283009.2(RTEL1):c.2390C>A (p.Pro797His)

Genes: RTEL1 (regulator of telomere elongation helicase 1; plus strand), RTEL1-TNFRSF6B (RTEL1-TNFRSF6B readthrough (NMD candidate); plus strand). Cytogenetic location: 20q13.33.
Variant type: single nucleotide variant.
Coding change: c.2390C>A on transcript NM_001283009.2 (MANE Select); coding-DNA position 2390, C replaced by A.
Protein change: p.Pro797His; replaces proline 797 with histidine.
Molecular consequence: missense variant. On other transcripts: non-coding transcript variant (1).
Genome position (GRCh38, 1-based): chr20:63,690,418, C>A. VCF-style: chr20-63690418-C-A. GRCh37 (hg19) VCF-style: chr20-62321771-C-A.
Other names: c.1721C>A, p.Pro574His (NM_001283010.1); c.2390C>A, p.Pro797His (NM_016434.4); c.2462C>A, p.Pro821His (NM_032957.5); short protein forms P797H, P821H, P574H.
Identifiers: ClinVar variation 4825687 (VCV004825687.1).

ClinVar aggregate classification (germline): Uncertain significance (1 of 4 stars; one submission).

Conditions:
Inborn genetic diseases. Identifiers: MedGen C0950123, MeSH D030342.

Submission:

Ambry Genetics
Classification: Uncertain significance for Inborn genetic diseases. Last evaluated: 2026-02-19. Review status: criteria provided, single submitter. Criteria: Ambry Variant Classification Scheme 2023. Collection method: clinical testing. Allele origin: germline.
Comment: The p.P797H variant (also known as c.2390C>A), located in coding exon 25 of the RTEL1 gene, results from a C to A substitution at nucleotide position 2390. The proline at codon 797 is replaced by histidine, an amino acid with similar properties. This amino acid position is conserved. In addition, this alteration is predicted to be tolerated by in silico analysis. Based on the available evidence, the clinical significance of this variant remains unclear.